The following is an entry in ClinVar:

NM_001014987.2(LAT):c.175C>G (p.Pro59Ala)

Gene: LAT (linker for activation of T cells; plus strand). Cytogenetic location: 16p11.2.
Variant type: single nucleotide variant.
Coding change: c.175C>G on transcript NM_001014987.2 (MANE Select); coding-DNA position 175, C replaced by G.
Protein change: p.Pro59Ala; replaces proline 59 with alanine.
Molecular consequence: missense variant.
Genome position (GRCh38, 1-based): chr16:28,986,146, C>G. VCF-style: chr16-28986146-C-G. GRCh37 (hg19) VCF-style: chr16-28997467-C-G.
Other names: c.175C>G, p.Pro59Ala (NM_001014988.2, NM_014387.4); c.283C>G, p.Pro95Ala (NM_001014989.2); c.283C>G (NM_001014989.1); short protein forms P59A, P95A.
Identifiers: ClinVar variation 1023869 (VCV001023869.6), dbSNP rs747700060, ClinGen allele CA7989881.
Genomic context (GRCh38, chr16:28,986,146, plus strand): 5'-CCTTGACGATGTCCGGAGTCCTTCTTTCAACTTGGTTCTGTGTCCTCAGACACGGTTGCC[C>G]CCTGGCCACCTGCCTACCCACCTGTCACCTCCTACCCACCCCTGAGCCAGCCAGACCTGC-3'
Protein context (NP_001014987.1, residues 49-69): IQFKRPHTVA[Pro59Ala]WPPAYPPVTS

ClinVar aggregate classification (germline): Uncertain significance. Review status: criteria provided, multiple submitters, no conflicts (2 of 4 stars). 2 submissions from 2 submitters: Uncertain significance (2). Last evaluated 2024-05-15.

Allele frequency attached by ClinVar (database versions not stated): gnomAD 0.00009 and 0.00010; TOPMed 0.00017.
gnomAD v4.1: 72 of 1,597,776 alleles (0.0045%); highest among the groups gnomAD compares: Admixed American, 0.035%; 1 homozygote.

Submissions (2):

Ambry Genetics
Classification: Uncertain significance. Last evaluated: 2024-05-15. Review status: criteria provided, single submitter. Criteria: Ambry Variant Classification Scheme 2023. Collection method: clinical testing. Allele origin: germline.

Labcorp Genetics (formerly Invitae), Labcorp
Classification: Uncertain significance. Last evaluated: 2022-08-22. Review status: criteria provided, single submitter. Criteria: Invitae Variant Classification Sherloc (09022015). Collection method: clinical testing. Allele origin: germline.
Comment: This sequence change replaces proline, which is neutral and non-polar, with alanine, which is neutral and non-polar, at codon 59 of the LAT protein (p.Pro59Ala). This variant is present in population databases (rs747700060, gnomAD 0.02%). This variant has not been reported in the literature in individuals affected with LAT-related conditions. ClinVar contains an entry for this variant (Variation ID: 1023869). Algorithms developed to predict the effect of missense changes on protein structure and function are either unavailable or do not agree on the potential impact of this missense change (SIFT: "Deleterious"; PolyPhen-2: "Possibly Damaging"; Align-GVGD: "Class C0"). In summary, the available evidence is currently insufficient to determine the role of this variant in disease. Therefore, it has been classified as a Variant of Uncertain Significance.